The following is an entry in ClinVar:

ClinVar aggregate classification (germline): Uncertain significance. Review status: criteria provided, multiple submitters, no conflicts (2 of 4 stars). 2 submissions from 2 submitters: Uncertain significance (2). Last evaluated 2026-08-29.

Conditions:
Progressive familial heart block type IB (PFHB1B). Identifiers: Orphanet 871, MedGen C1970298, MONDO:0011474, OMIM 604559.
Cardiovascular phenotype. Identifiers: MedGen CN230736.

Allele frequency attached by ClinVar (database versions not stated): gnomAD exomes below 0.00001.
gnomAD v4.1: 3 of 1,613,900 alleles (0.00019%); highest among the groups gnomAD compares: Non-Finnish European, 0.00017%; no homozygotes.

Submissions (2):

Ambry Genetics
Classification: Uncertain significance for Cardiovascular phenotype. Last evaluated: 2026-08-29. Review status: criteria provided, single submitter. Criteria: Ambry Variant Classification Scheme 2023. Collection method: clinical testing. Allele origin: germline.
Comment: The p.T318P variant (also known as c.952A>C), located in coding exon 8 of the TRPM4 gene, results from an A to C substitution at nucleotide position 952. The threonine at codon 318 is replaced by proline, an amino acid with highly similar properties. This amino acid position is conserved. In addition, this alteration is predicted to be tolerated by in silico analysis. Based on the available evidence, the clinical significance of this variant remains unclear.

Labcorp Genetics (formerly Invitae), Labcorp
Classification: Uncertain significance for Progressive familial heart block type IB. Last evaluated: 2025-02-28. Review status: criteria provided, single submitter. Criteria: Invitae Variant Classification Sherloc (09022015). Collection method: clinical testing. Allele origin: germline.
Comment: This sequence change replaces threonine, which is neutral and polar, with proline, which is neutral and non-polar, at codon 318 of the TRPM4 protein (p.Thr318Pro). This variant is not present in population databases (gnomAD no frequency). This variant has not been reported in the literature in individuals affected with TRPM4-related conditions. ClinVar contains an entry for this variant (Variation ID: 855483). An algorithm developed to predict the effect of missense changes on protein structure and function (PolyPhen-2) suggests that this variant is likely to be tolerated. In summary, the available evidence is currently insufficient to determine the role of this variant in disease. Therefore, it has been classified as a Variant of Uncertain Significance.

NM_017636.4(TRPM4):c.952A>C (p.Thr318Pro)

Gene: TRPM4 (transient receptor potential cation channel subfamily M member 4; plus strand). Cytogenetic location: 19q13.33.
Variant type: single nucleotide variant.
Coding change: c.952A>C on transcript NM_017636.4 (MANE Select); coding-DNA position 952, A replaced by C.
Protein change: p.Thr318Pro; replaces threonine 318 with proline.
Molecular consequence: missense variant. On other transcripts: 5 prime UTR variant (1).
Genome position (GRCh38, 1-based): chr19:49,171,671, A>C. VCF-style: chr19-49171671-A-C. GRCh37 (hg19) VCF-style: chr19-49674928-A-C.
Other names: c.952A>C, p.Thr318Pro (NM_001195227.2); c.607A>C, p.Thr203Pro (NM_001321281.2); c.-602A>C (NM_001321282.2); c.430A>C, p.Thr144Pro (NM_001321283.2); c.103A>C, p.Thr35Pro (NM_001321285.2); short protein forms T203P, T318P, T35P, T144P.
Identifiers: ClinVar variation 855483 (VCV000855483.8), dbSNP rs1967462433, ClinGen allele CA406794123.